The following is an entry in ClinVar:

ClinVar aggregate classification (germline): Uncertain significance. Review status: criteria provided, multiple submitters, no conflicts (2 of 4 stars). 2 submissions from 2 submitters: Uncertain significance (2). Last evaluated 2024-11-04.

Conditions:
Complement component 5 deficiency. Also called: C5 DEFICIENCY. Identifiers: MedGen C0343047, MONDO:0012295, OMIM 609536.
Eculizumab, poor response to. Identifiers: MedGen C3810402, OMIM 615749.

Allele frequency attached by ClinVar (database versions not stated): gnomAD 0.00003 and 0.00004; TOPMed 0.00009; gnomAD exomes 0.00011 and 0.00021; ExAC 0.00019.
gnomAD v4.1: 71 of 1,613,892 alleles (0.0044%); highest among the groups gnomAD compares: Admixed American, 0.11%; 1 homozygote.

Submissions (2):

Labcorp Genetics (formerly Invitae), Labcorp
Classification: Uncertain significance. Last evaluated: 2024-11-04. Review status: criteria provided, single submitter. Criteria: Invitae Variant Classification Sherloc (09022015). Collection method: clinical testing. Allele origin: germline.
Comment: This sequence change replaces aspartic acid, which is acidic and polar, with asparagine, which is neutral and polar, at codon 606 of the C5 protein (p.Asp606Asn). This variant is present in population databases (rs775286780, gnomAD 0.2%). This variant has not been reported in the literature in individuals affected with C5-related conditions. ClinVar contains an entry for this variant (Variation ID: 1346229). Invitae Evidence Modeling of protein sequence and biophysical properties (such as structural, functional, and spatial information, amino acid conservation, physicochemical variation, residue mobility, and thermodynamic stability) indicates that this missense variant is expected to disrupt C5 protein function with a positive predictive value of 80%. In summary, the available evidence is currently insufficient to determine the role of this variant in disease. Therefore, it has been classified as a Variant of Uncertain Significance.

Fulgent Genetics
Classification: Uncertain significance for Complement component 5 deficiency; Eculizumab, poor response to. Last evaluated: 2022-03-05. Review status: criteria provided, single submitter. Criteria: ACMG Guidelines, 2015. Collection method: clinical testing. Allele origin: unknown.

NM_001735.3(C5):c.1816G>A (p.Asp606Asn)

Gene: C5 (complement C5; minus strand). Cytogenetic location: 9q33.2.
Variant type: single nucleotide variant.
Coding change: c.1816G>A on transcript NM_001735.3 (MANE Select); coding-DNA position 1816, G replaced by A.
Protein change: p.Asp606Asn; replaces aspartic acid 606 with asparagine.
Molecular consequence: missense variant.
Genome position (GRCh38, 1-based): chr9:121,017,412, C>T on the plus strand (G>A on the coding strand, the complement: C5 is on the minus strand). VCF-style: chr9-121017412-C-T. GRCh37 (hg19) VCF-style: chr9-123779690-C-T.
Other names: c.1834G>A, p.Asp612Asn (NM_001317163.2); c.1816G>A, p.Asp606Asn (NM_001317164.2); short protein forms D612N, D606N.
Identifiers: ClinVar variation 1346229 (VCV001346229.8), dbSNP rs775286780, ClinGen allele CA5217977.